The following is an entry in ClinVar:

NM_001111.5(ADAR):c.2746C>T (p.Arg916Trp)

Genes: ADAR (adenosine deaminase RNA specific; minus strand), LOC126805874 (CDK7 strongly-dependent group 2 enhancer GRCh37_chr1:154561176-154562375; plus strand). Cytogenetic location: 1q21.3.
Variant type: single nucleotide variant.
Coding change: c.2746C>T on transcript NM_001111.5 (MANE Select); coding-DNA position 2746, C replaced by T.
Protein change: p.Arg916Trp; replaces arginine 916 with tryptophan.
Molecular consequence: missense variant.
Genome position (GRCh38, 1-based): chr1:154,589,385, G>A on the plus strand (C>T on the coding strand, the complement: ADAR is on the minus strand). VCF-style: chr1-154589385-G-A. GRCh37 (hg19) VCF-style: chr1-154561861-G-A.
Other names: c.1861C>T, p.Arg621Trp (NM_001025107.3, NM_001193495.2, NM_001365046.1 and 2 more transcripts); c.2773C>T, p.Arg925Trp (NM_001365045.1); c.1783C>T, p.Arg595Trp (NM_001365049.1); c.2668C>T, p.Arg890Trp (NM_015840.4); c.2611C>T, p.Arg871Trp (NM_015841.4); short protein forms R621W, R890W, R916W, R925W, R595W, R871W.
Identifiers: ClinVar variation 2202847 (VCV002202847.5), dbSNP rs2101582935, ClinGen allele CA342636551.
Genomic context (GRCh38, chr1:154,589,385, plus strand): 5'-TCTCCACAGCCGGGCAGCCGGGCCACAGCTCTGACCTCGCTCACCTGATGAAGCCTCTCC[G>A]GGAGATTATTTCTGCATGGCAGTCATTGACAGTTTCTCCTTTTAGGCTGAGAGAATCTCC-3'
Protein context (NP_001102.3, residues 906-926): VNDCHAEIIS[Arg916Trp]RGFIRFLYSE

ClinVar aggregate classification (germline): Uncertain significance. Review status: criteria provided, multiple submitters, no conflicts (2 of 4 stars). 2 submissions from 2 submitters: Uncertain significance (2). Last evaluated 2022-05-08.

Conditions:
Aicardi-Goutieres syndrome 6 (AGS6). Identifiers: Orphanet 51, MedGen C3539013, MONDO:0014007, OMIM 615010.
Symmetrical dyschromatosis of extremities (DSH). Also called: DYSCHROMATOSIS SYMMETRICA HEREDITARIA 1; RETICULATE ACROPIGMENTATION OF DOHI; SYMMETRIC DYSCHROMATOSIS OF THE EXTREMITIES; Dyschromatosis symmetrica hereditaria. Identifiers: Orphanet 41, MedGen C0406775, MONDO:0007483, OMIM 127400.

Allele frequency attached by ClinVar (database versions not stated): gnomAD exomes below 0.00001.
gnomAD v4.1: 4 of 1,614,096 alleles (0.00025%); highest among the groups gnomAD compares: Non-Finnish European, 0.00034%; no homozygotes.

Submissions (2):

Labcorp Genetics (formerly Invitae), Labcorp
Classification: Uncertain significance for Aicardi-Goutieres syndrome 6; Symmetrical dyschromatosis of extremities. Last evaluated: 2022-05-08. Review status: criteria provided, single submitter. Criteria: Invitae Variant Classification Sherloc (09022015). Collection method: clinical testing. Allele origin: germline.
Comment: This missense change has been observed in individual(s) with autosomal dominant dyschromatosis symmetrica hereditaria and/or clinical features of autosomal recessive Aicardi-Goutieres syndrome (PMID: 15102079, 28561207, 29915444). Algorithms developed to predict the effect of missense changes on protein structure and function are either unavailable or do not agree on the potential impact of this missense change (SIFT: "Deleterious"; PolyPhen-2: "Probably Damaging"; Align-GVGD: "Class C0"). In summary, the available evidence is currently insufficient to determine the role of this variant in disease. Therefore, it has been classified as a Variant of Uncertain Significance. This variant is not present in population databases (gnomAD no frequency). This sequence change replaces arginine, which is basic and polar, with tryptophan, which is neutral and slightly polar, at codon 916 of the ADAR protein (p.Arg916Trp).

Blueprint Genetics
Classification: Uncertain significance. Last evaluated: 2020-06-05. Review status: criteria provided, single submitter. Criteria: ACMG Guidelines, 2015. Collection method: clinical testing. Allele origin: germline.

Literature cited by the submitters: PubMed 15102079 (cited by Labcorp Genetics (formerly Invitae), Labcorp); PubMed 28561207 (cited by Labcorp Genetics (formerly Invitae), Labcorp); PubMed 29915444 (cited by Labcorp Genetics (formerly Invitae), Labcorp).